The following is an entry in ClinVar:

ClinVar aggregate classification (germline): Likely pathogenic. Review status: criteria provided, multiple submitters, no conflicts (2 of 4 stars). 2 submissions from 2 submitters: Likely pathogenic (2). Last evaluated 2024-05-25.

Conditions:
Congenital myotonia, autosomal dominant form (THD). Also called: THOMSEN DISEASE; Myotonia congenita autosomal dominant. Identifiers: Orphanet 614, MedGen C2936781, MONDO:0008055, OMIM 160800.
Congenital myotonia, autosomal recessive form. Also called: BECKER DISEASE; Becker Generalized Myotonia; myotonia congenita, autosomal recessive. Identifiers: Orphanet 614, MedGen C0751360, MONDO:0009715, OMIM 255700.

Allele frequency attached by ClinVar (database versions not stated): gnomAD exomes below 0.00001; ExAC 0.00001.

Submissions (2):

Fulgent Genetics
Classification: Likely pathogenic for Congenital myotonia, autosomal dominant form; Congenital myotonia, autosomal recessive form. Last evaluated: 2024-05-25. Review status: criteria provided, single submitter. Criteria: ACMG Guidelines, 2015. Collection method: clinical testing. Allele origin: germline.

Labcorp Genetics (formerly Invitae), Labcorp
Classification: Likely pathogenic for Congenital myotonia, autosomal recessive form; Congenital myotonia, autosomal dominant form. Last evaluated: 2019-10-16. Review status: criteria provided, single submitter. Criteria: Invitae Variant Classification Sherloc (09022015). Collection method: clinical testing. Allele origin: germline.
Comment: This sequence change replaces glutamine with histidine at codon 160 of the CLCN1 protein (p.Gln160His). The glutamine residue is highly conserved and there is a small physicochemical difference between glutamine and histidine. This variant is present in population databases (rs771532474, ExAC 0.001%). This variant has been observed in combination with another CLCN1 variant in a family and several individuals affected with myotonia congenita (PMID: 20047568, 26502825, Invitae). Experimental studies have shown that this missense change results in altered chloride channel function (PMID: 26502825). In summary, the currently available evidence indicates that the variant is pathogenic, but additional data are needed to prove that conclusively. Therefore, this variant has been classified as Likely Pathogenic.

Literature cited by the submitters: PubMed 20047568 (cited by Labcorp Genetics (formerly Invitae), Labcorp); PubMed 26502825 (cited by Labcorp Genetics (formerly Invitae), Labcorp).

NM_000083.3(CLCN1):c.480G>C (p.Gln160His)

Gene: CLCN1 (chloride voltage-gated channel 1; plus strand). Cytogenetic location: 7q34.
Variant type: single nucleotide variant.
Coding change: c.480G>C on transcript NM_000083.3 (MANE Select); coding-DNA position 480, G replaced by C.
Protein change: p.Gln160His; replaces glutamine 160 with histidine.
Molecular consequence: missense variant. On other transcripts: non-coding transcript variant (1).
Genome position (GRCh38, 1-based): chr7:143,321,411, G>C. VCF-style: chr7-143321411-G-C. GRCh37 (hg19) VCF-style: chr7-143018504-G-C.
Other names: short protein forms Q160H.
Identifiers: ClinVar variation 646263 (VCV000646263.10), dbSNP rs771532474, ClinGen allele CA4536967.
Genomic context (GRCh38, chr7:143,321,411, plus strand): 5'-ATGTGTCTCCGCAGCCTACAAGTGGTCCTACGCGCAGATGCAGCCCAGCCTTCCTCTGCA[G>C]TTCCTGGTCTGGGTCACCTTCCCACTAGTCCTCATCCTCTTCAGCGCCCTCTTCTGCCAC-3'
Protein context (NP_000074.3, residues 150-170): YAQMQPSLPL[Gln160His]FLVWVTFPLV